The following is an entry in ClinVar:

ClinVar aggregate classification (germline): Uncertain significance. Review status: criteria provided, multiple submitters, no conflicts (2 of 4 stars). 3 submissions from 3 submitters: Uncertain significance (3). Last evaluated 2025-04-09.

Conditions:
Cardiovascular phenotype. Identifiers: MedGen CN230736.
Lethal congenital glycogen storage disease of heart. Also called: GLYCOGEN STORAGE DISEASE OF HEART; PHOSPHORYLASE KINASE DEFICIENCY OF HEART. Identifiers: Orphanet 439854, MedGen C1849813, MONDO:0009867, OMIM 261740.

Allele frequency attached by ClinVar (database versions not stated): gnomAD exomes 0.00001.
gnomAD v4.1: 9 of 1,400,204 alleles (0.00064%); highest among the groups gnomAD compares: Non-Finnish European, 0.00066%; no homozygotes.

Submissions (3):

Molecular Diagnostic Laboratory for Inherited Cardiovascular Disease, Montreal Heart Institute
Classification: Uncertain significance for Cardiovascular phenotype. Last evaluated: 2025-04-09. Review status: criteria provided, single submitter. Criteria: ACMG Guidelines, 2015. Collection method: clinical testing. Allele origin: germline. Affected: yes.
Comment: PM2, BP4, BP5

Labcorp Genetics (formerly Invitae), Labcorp
Classification: Uncertain significance for Lethal congenital glycogen storage disease of heart. Last evaluated: 2024-01-10. Review status: criteria provided, single submitter. Criteria: Invitae Variant Classification Sherloc (09022015). Collection method: clinical testing. Allele origin: germline.
Comment: This sequence change replaces alanine, which is neutral and non-polar, with valine, which is neutral and non-polar, at codon 229 of the PRKAG2 protein (p.Ala229Val). This variant is not present in population databases (gnomAD no frequency). This variant has not been reported in the literature in individuals affected with PRKAG2-related conditions. ClinVar contains an entry for this variant (Variation ID: 1755880). An algorithm developed to predict the effect of missense changes on protein structure and function (PolyPhen-2) suggests that this variant is likely to be tolerated. In summary, the available evidence is currently insufficient to determine the role of this variant in disease. Therefore, it has been classified as a Variant of Uncertain Significance.

Ambry Genetics
Classification: Uncertain significance for Cardiovascular phenotype. Last evaluated: 2022-09-24. Review status: criteria provided, single submitter. Criteria: Ambry Variant Classification Scheme 2023. Collection method: clinical testing. Allele origin: germline.
Comment: The p.A229V variant (also known as c.686C>T), located in coding exon 5 of the PRKAG2 gene, results from a C to T substitution at nucleotide position 686. The alanine at codon 229 is replaced by valine, an amino acid with similar properties. This amino acid position is conserved. In addition, this alteration is predicted to be tolerated by in silico analysis. Since supporting evidence is limited at this time, the clinical significance of this alteration remains unclear.

NM_016203.4(PRKAG2):c.686C>T (p.Ala229Val)

Genes: PRKAG2 (protein kinase AMP-activated non-catalytic subunit gamma 2; minus strand), LOC129999660 (ATAC-STARR-seq lymphoblastoid silent region 18823; plus strand). Cytogenetic location: 7q36.1.
Variant type: single nucleotide variant.
Coding change: c.686C>T on transcript NM_016203.4 (MANE Select); coding-DNA position 686, C replaced by T.
Protein change: p.Ala229Val; replaces alanine 229 with valine.
Molecular consequence: missense variant. On other transcripts: 5 prime UTR variant (2).
Genome position (GRCh38, 1-based): chr7:151,632,137, G>A on the plus strand (C>T on the coding strand, the complement: PRKAG2 is on the minus strand). VCF-style: chr7-151632137-G-A. GRCh37 (hg19) VCF-style: chr7-151329223-G-A.
Other names: c.554C>T, p.Ala185Val (NM_001407026.1, NM_001407027.1, NM_001040633.2 and 1 more transcripts); c.314C>T, p.Ala105Val (NM_001407028.1, NM_001407029.1, NM_001304527.2 and 1 more transcripts); c.368C>T, p.Ala123Val (NM_001407032.1); c.362C>T, p.Ala121Val (NM_001407033.1); c.-38C>T (NM_001407034.1, NM_001407035.1, NM_001407036.1 and 4 more transcripts); c.14C>T, p.Ala5Val (NM_001407038.1); c.686C>T, p.Ala229Val (NM_001407021.1, NM_001407022.1, NM_001407023.1); short protein forms A121V, A123V, A5V, A105V, A229V, A185V.
Identifiers: ClinVar variation 1755880 (VCV001755880.8), dbSNP rs2536960081, ClinGen allele CA370071379.